The following is an entry in ClinVar:

NM_004247.4(EFTUD2):c.312G>A (p.Leu104=)

Gene: EFTUD2 (elongation factor Tu GTP binding domain containing 2; minus strand). Cytogenetic location: 17q21.31.
Variant type: single nucleotide variant.
Coding change: c.312G>A on transcript NM_004247.4 (MANE Select); coding-DNA position 312, G replaced by A.
Protein change: p.Leu104=; no amino-acid change (leucine 104 retained).
Molecular consequence: synonymous variant.
Genome position (GRCh38, 1-based): chr17:44,885,294, C>T on the plus strand (G>A on the coding strand, the complement: EFTUD2 is on the minus strand). VCF-style: chr17-44885294-C-T. GRCh37 (hg19) VCF-style: chr17-42962662-C-T.
Other names: c.207G>A, p.Leu69= (NM_001142605.2); c.312G>A, p.Leu104= (NM_001258353.2, NM_001258354.2).
Identifiers: ClinVar variation 2647838 (VCV002647838.24), dbSNP rs1400695086, ClinGen allele CA500318670.

ClinVar aggregate classification (germline): Likely benign (1 of 4 stars; one submission).

Allele frequency attached by ClinVar (database versions not stated): gnomAD exomes below 0.00001; gnomAD 0.00001; TOPMed 0.00002.
gnomAD v4.1: 2 of 1,613,850 alleles (0.00012%); highest among the groups gnomAD compares: South Asian, 0.0011%; no homozygotes.

Submission:

CeGaT Center for Human Genetics Tuebingen
Classification: Likely benign. Last evaluated: 2023-05-01. Review status: criteria provided, single submitter. Criteria: CeGaT Center For Human Genetics Tuebingen Variant Classification Criteria Version 2. Collection method: clinical testing. Allele origin: germline. Affected: yes. Observed: 1 variant allele.
Comment: EFTUD2: BP4